The following is an entry in ClinVar:

ClinVar aggregate classification (germline): Pathogenic. Review status: criteria provided, single submitter (1 of 4 stars). 2 submissions from 2 submitters: Pathogenic (1). 1 of the submissions does not count toward it. Last evaluated 2021-12-27.

Conditions:
Ornithine carbamoyltransferase deficiency (OTCD). Also called: ORNITHINE TRANSCARBAMYLASE DEFICIENCY, HYPERAMMONEMIA DUE TO; ORNITHINE TRANSCARBAMYLASE DEFICIENCY; OTC DEFICIENCY; Ornithine Carbamoyltransferase Deficiency Disease. Identifiers: Orphanet 664, MedGen C0268542, MONDO:0010703, OMIM 311250.

Submissions (2):

Fulgent Genetics
Classification: Pathogenic for Ornithine carbamoyltransferase deficiency. Last evaluated: 2021-12-27. Review status: criteria provided, single submitter. Criteria: ACMG Guidelines, 2015. Collection method: clinical testing. Allele origin: unknown.

GenMed Metabolism Lab
Classification: Pathogenic. Review status: no assertion criteria provided. Collection method: not provided. Allele origin: unknown. Not counted in ClinVar's aggregate classification.
ClinVar note: Converted during submission from pathogenic to Pathogenic.

NM_000531.6(OTC):c.29_32del (p.Asn10fs)

Gene: OTC (ornithine transcarbamylase; plus strand). Cytogenetic location: Xp11.4.
Variant type: Deletion.
Coding change: c.29_32del on transcript NM_000531.6 (MANE Select); coding-DNA positions 29 to 32, 4 bases deleted (ACAA; older notation c.29_32delACAA).
Protein change: p.Asn10fs; shifts the reading frame from asparagine 10.
Molecular consequence: frameshift variant.
Genome position (GRCh38, 1-based): chrX:38,352,725-38,352,728, ACAA deleted; deleting any 4 consecutive bases within chrX:38,352,723-38,352,728 gives the same sequence; the c. name uses the placement nearest the transcript's 3' end. VCF-style (leftmost placement, unchanged base first): chrX-38352722-TAAAC-T. GRCh37 (hg19) VCF-style: chrX-38211975-TAAAC-T.
Other names: short protein forms N10fs.
Identifiers: ClinVar variation 97157 (VCV000097157.3), dbSNP rs72552297, ClinGen allele CA224540.
Genomic context (GRCh38, chrX:38,352,722, plus strand): 5'-GGGCATAGAATCGTCCTTTACACAATTAAAAGAAGATGCTGTTTAATCTGAGGATCCTGT[TAAAC>T]AATGCAGCTTTTAGAAATGGTCACAACTTCATGGTTCGAAATTTTCGGTAAGTGATGGTC-3'